The following is an entry in ClinVar:

NM_004415.4(DSP):c.3660C>T (p.Thr1220=)

Gene: DSP (desmoplakin; plus strand). Cytogenetic location: 6p24.3.
Variant type: single nucleotide variant.
Coding change: c.3660C>T on transcript NM_004415.4 (MANE Select); coding-DNA position 3660, C replaced by T.
Protein change: p.Thr1220=; no amino-acid change (threonine 1220 retained).
Molecular consequence: synonymous variant. On other transcripts: intron variant (1).
Genome position (GRCh38, 1-based): chr6:7,579,850, C>T. VCF-style: chr6-7579850-C-T. GRCh37 (hg19) VCF-style: chr6-7580083-C-T.
Other names: c.3660C>T, p.Thr1220= (NM_001319034.2); c.3582+78C>T (NM_001008844.3).
Identifiers: ClinVar variation 3074112 (VCV003074112.2), dbSNP rs777305942, ClinGen allele CA038684.
Genomic context (GRCh38, chr6:7,579,850, plus strand): 5'-TGAGGAGATGAGTAATTTAAGGAACAAGTATGAAACAGAGATTAACATTACGAAGACCAC[C>T]ATCAAGGAGATATCCATGCAAAAAGAGGATGATTCCAAAAATCTTAGAAACCAGCTTGAT-3'
Protein context (NP_004406.2, residues 1210-1230): YETEINITKT[Thr1220=]IKEISMQKED

ClinVar aggregate classification (germline): Likely benign. Review status: criteria provided, multiple submitters, no conflicts (2 of 4 stars). 2 submissions from 2 submitters: Likely benign (2). Last evaluated 2024-06-19.

Conditions:
Arrhythmogenic cardiomyopathy with wooly hair and keratoderma. Also called: Dilated cardiomyopathy with woolly hair and keratoderma; Arrhythmogenic cardiomyopathy with woolly hair and keratoderma; PALMOPLANTAR KERATODERMA WITH LEFT VENTRICULAR CARDIOMYOPATHY AND WOOLLY HAIR; Carvajal syndrome. Identifiers: Orphanet 65282, MedGen C1854063, MONDO:0011581, OMIM 605676.

Allele frequency attached by ClinVar (database versions not stated): ExAC 0.00001; gnomAD 0.00001; TOPMed 0.00002.
gnomAD v4.1: 2 of 1,613,990 alleles (0.00012%); highest among the groups gnomAD compares: African/African-American, 0.0027%; no homozygotes.

Submissions (2):

Blueprint Genetics
Classification: Likely benign. Last evaluated: 2024-06-19. Review status: criteria provided, single submitter. Criteria: ACMG Guidelines, 2015. Collection method: clinical testing. Allele origin: germline.

All of Us Research Program, National Institutes of Health
Classification: Likely benign for Arrhythmogenic cardiomyopathy with wooly hair and keratoderma. Last evaluated: 2023-10-23. Review status: criteria provided, single submitter. Criteria: ACMG Guidelines, 2015. Collection method: clinical testing. Allele origin: germline. Inheritance: Autosomal dominant inheritance. Observed: 1 variant allele, 1 heterozygote.
Comment: This study involves interpretation of variants in research participants for the purpose of population health screening. Participant phenotype was not available at the time of variant classification. Additional details can be found in publication PMID: 35346344, PMCID: PMC8962531